The following is an entry in ClinVar:

NM_033116.6(NEK9):c.1611_1623del (p.Gln538fs)

Gene: NEK9 (NIMA related kinase 9; minus strand). Cytogenetic location: 14q24.3.
Variant type: Deletion.
Coding change: c.1611_1623del on transcript NM_033116.6 (MANE Select); coding-DNA positions 1611 to 1623, 13 bases deleted (TCAATGTGGCTGT).
Protein change: p.Gln538fs; shifts the reading frame from glutamine 538.
Molecular consequence: frameshift variant.
Genome position (GRCh38, 1-based): chr14:75,103,950-75,103,962, ACAGCCACATTGA deleted on the plus strand (TCAATGTGGCTGT on the coding strand, the reverse complement: NEK9 is on the minus strand); deleting any 13 consecutive bases within chr14:75,103,950-75,103,964 gives the same sequence; the c. name uses the placement nearest the transcript's 3' end. VCF-style (leftmost placement, unchanged base first): chr14-75103949-CACAGCCACATTGA-C. GRCh37 (hg19) VCF-style: chr14-75570652-CACAGCCACATTGA-C.
Other names: c.1647_1659del, p.Gln550fs (NM_001329237.2); c.1257_1269del, p.Gln420fs (NM_001329238.2); short protein forms Q538fs, Q550fs, Q420fs.
Identifiers: ClinVar variation 4997616 (VCV004997616.1).

ClinVar aggregate classification (germline): Likely pathogenic (1 of 4 stars; one submission).

Conditions:
NEK9-related disorder. Also called: NEK9-related condition.

Submission:

PreventionGenetics, part of Exact Sciences
Classification: Likely pathogenic for NEK9-related condition. Last evaluated: 2025-02-04. Review status: criteria provided, single submitter. Criteria: ACMG Guidelines, 2015. Collection method: clinical testing. Allele origin: germline.
Comment: The NEK9 c.1611_1623del13 variant is predicted to result in a frameshift and premature protein termination (p.Gln538Metfs*6). To our knowledge, this variant has not been reported in the literature or in a large population database (gnomAD), indicating this variant is rare. Frameshift variants in NEK9 are expected to be pathogenic. This variant is interpreted as likely pathogenic.